The following is an entry in ClinVar:

NM_015474.4(SAMHD1):c.682G>C (p.Glu228Gln)

Gene: SAMHD1 (SAM and HD domain containing deoxynucleoside triphosphate triphosphohydrolase 1; minus strand). Cytogenetic location: 20q11.23.
Variant type: single nucleotide variant.
Coding change: c.682G>C on transcript NM_015474.4 (MANE Select); coding-DNA position 682, G replaced by C.
Protein change: p.Glu228Gln; replaces glutamic acid 228 with glutamine.
Molecular consequence: missense variant.
Genome position (GRCh38, 1-based): chr20:36,927,196, C>G on the plus strand (G>C on the coding strand, the complement: SAMHD1 is on the minus strand). VCF-style: chr20-36927196-C-G. GRCh37 (hg19) VCF-style: chr20-35555599-C-G.
Other names: c.682G>C, p.Glu228Gln (NM_001363729.2, NM_001363733.2); short protein forms E228Q.
Identifiers: ClinVar variation 2038454 (VCV002038454.4), dbSNP rs2515254242, ClinGen allele CA408821489.

ClinVar aggregate classification (germline): Uncertain significance (1 of 4 stars; one submission).

Conditions:
Aicardi-Goutieres syndrome 5. Identifiers: Orphanet 51, MedGen C2749659, MONDO:0013059, OMIM 612952.

Submission:

Labcorp Genetics (formerly Invitae), Labcorp
Classification: Uncertain significance for Aicardi-Goutieres syndrome 5. Last evaluated: 2022-08-31. Review status: criteria provided, single submitter. Criteria: Invitae Variant Classification Sherloc (09022015). Collection method: clinical testing. Allele origin: germline.
Comment: This sequence change replaces glutamic acid, which is acidic and polar, with glutamine, which is neutral and polar, at codon 228 of the SAMHD1 protein (p.Glu228Gln). This variant is not present in population databases (gnomAD no frequency). This variant has not been reported in the literature in individuals affected with SAMHD1-related conditions. Algorithms developed to predict the effect of missense changes on protein structure and function (SIFT, PolyPhen-2, Align-GVGD) all suggest that this variant is likely to be tolerated. In summary, the available evidence is currently insufficient to determine the role of this variant in disease. Therefore, it has been classified as a Variant of Uncertain Significance.